The following is an entry in ClinVar:

NM_001032386.2(SUOX):c.1193G>A (p.Arg398Gln)

Gene: SUOX (sulfite oxidase; plus strand). Cytogenetic location: 12q13.2.
Variant type: single nucleotide variant.
Coding change: c.1193G>A on transcript NM_001032386.2 (MANE Select); coding-DNA position 1193, G replaced by A.
Protein change: p.Arg398Gln; replaces arginine 398 with glutamine.
Molecular consequence: missense variant.
Genome position (GRCh38, 1-based): chr12:56,004,582, G>A. VCF-style: chr12-56004582-G-A. GRCh37 (hg19) VCF-style: chr12-56398366-G-A.
Other names: c.1193G>A, p.Arg398Gln (NM_000456.3, NM_001032387.2); short protein forms R398Q.
Identifiers: ClinVar variation 1392724 (VCV001392724.5), dbSNP rs754455923, ClinGen allele CA6621127.

ClinVar aggregate classification (germline): Uncertain significance. Review status: criteria provided, multiple submitters, no conflicts (2 of 4 stars). 2 submissions from 2 submitters: Uncertain significance (2). Last evaluated 2022-08-09.

Conditions:
Sulfite oxidase deficiency. Also called: Isolated sulfite oxidase deficiency. Identifiers: Orphanet 833, Orphanet 99731, MedGen C0268624, MONDO:0010089, OMIM 272300, HP:0003643.

Allele frequency attached by ClinVar (database versions not stated): gnomAD exomes 0.00001; ExAC 0.00002; gnomAD 0.00002; TOPMed 0.00002.
gnomAD v4.1: 12 of 1,614,068 alleles (0.00074%); highest among the groups gnomAD compares: Admixed American, 0.0033%; no homozygotes.

Submissions (2):

Labcorp Genetics (formerly Invitae), Labcorp
Classification: Uncertain significance for Sulfite oxidase deficiency. Last evaluated: 2022-08-09. Review status: criteria provided, single submitter. Criteria: Invitae Variant Classification Sherloc (09022015). Collection method: clinical testing. Allele origin: germline.
Comment: This sequence change replaces arginine, which is basic and polar, with glutamine, which is neutral and polar, at codon 398 of the SUOX protein (p.Arg398Gln). This variant is present in population databases (rs754455923, gnomAD 0.006%). This variant has not been reported in the literature in individuals affected with SUOX-related conditions. ClinVar contains an entry for this variant (Variation ID: 1392724). Algorithms developed to predict the effect of missense changes on protein structure and function (SIFT, PolyPhen-2, Align-GVGD) all suggest that this variant is likely to be tolerated. Algorithms developed to predict the effect of sequence changes on RNA splicing suggest that this variant may create or strengthen a splice site. In summary, the available evidence is currently insufficient to determine the role of this variant in disease. Therefore, it has been classified as a Variant of Uncertain Significance.

Blueprint Genetics
Classification: Uncertain significance. Last evaluated: 2020-11-03. Review status: criteria provided, single submitter. Criteria: ACMG Guidelines, 2015. Collection method: clinical testing. Allele origin: germline.